The following is an entry in ClinVar:

ClinVar aggregate classification (germline): Uncertain significance (1 of 4 stars; one submission).

Allele frequency attached by ClinVar (database versions not stated): gnomAD exomes below 0.00001; TOPMed 0.00002; gnomAD 0.00003.

Submission:

Labcorp Genetics (formerly Invitae), Labcorp
Classification: Uncertain significance. Last evaluated: 2022-06-18. Review status: criteria provided, single submitter. Criteria: Invitae Variant Classification Sherloc (09022015). Collection method: clinical testing. Allele origin: germline.
Comment: This sequence change disrupts the translational stop signal of the DNAJC17 mRNA. It is expected to extend the length of the DNAJC17 protein by 23 additional amino acid residues. In summary, the available evidence is currently insufficient to determine the role of this variant in disease. Therefore, it has been classified as a Variant of Uncertain Significance. This variant has not been reported in the literature in individuals affected with DNAJC17-related conditions. This variant is present in population databases (no rsID available, gnomAD 0.01%).

NM_018163.3(DNAJC17):c.915G>T (p.Ter305Tyr)

Gene: DNAJC17 (DnaJ heat shock protein family (Hsp40) member C17; minus strand). Cytogenetic location: 15q15.1.
Variant type: single nucleotide variant.
Coding change: c.915G>T on transcript NM_018163.3 (MANE Select); coding-DNA position 915, G replaced by T.
Protein change: p.Ter305Tyr.
Molecular consequence: stop lost.
Genome position (GRCh38, 1-based): chr15:40,767,940, C>A on the plus strand (G>T on the coding strand, the complement: DNAJC17 is on the minus strand). VCF-style: chr15-40767940-C-A. GRCh37 (hg19) VCF-style: chr15-41060138-C-A.
Identifiers: ClinVar variation 1911496 (VCV001911496.4), dbSNP rs1041988972, ClinGen allele CA268850025.